The following is an entry in ClinVar:

NM_022367.4(SEMA4A):c.1874G>T (p.Trp625Leu)

Gene: SEMA4A (semaphorin 4A; plus strand). Cytogenetic location: 1q22.
Variant type: single nucleotide variant.
Coding change: c.1874G>T on transcript NM_022367.4 (MANE Select); coding-DNA position 1874, G replaced by T.
Protein change: p.Trp625Leu; replaces tryptophan 625 with leucine.
Molecular consequence: missense variant.
Genome position (GRCh38, 1-based): chr1:156,176,585, G>T. VCF-style: chr1-156176585-G-T. GRCh37 (hg19) VCF-style: chr1-156146376-G-T.
Other names: c.1874G>T, p.Trp625Leu (NM_001193300.2, NM_001193301.2, NM_001370567.1); c.1478G>T, p.Trp493Leu (NM_001193302.2); c.1577G>T, p.Trp526Leu (NM_001370568.1); c.1367G>T, p.Trp456Leu (NM_001370569.1, NM_001370571.1); short protein forms W526L, W625L, W493L, W456L.
Identifiers: ClinVar variation 840494 (VCV000840494.11), dbSNP rs773329946, ClinGen allele CA1155482.
Genomic context (GRCh38, chr1:156,176,585, plus strand): 5'-TCTACAATGGCTCCCTCTTGCTGATAGTGCAGGATGGAGTTGGGGGTCTCTACCAGTGCT[G>T]GGCAACTGAGAATGGCTTTTCATACCCTGTGATCTCCTACTGGGTGGACAGCCAGGACCA-3'
Protein context (NP_071762.2, residues 615-635): QDGVGGLYQC[Trp625Leu]ATENGFSYPV

ClinVar aggregate classification (germline): Uncertain significance (1 of 4 stars; one submission).

Allele frequency attached by ClinVar (database versions not stated): gnomAD 0.00001; gnomAD exomes 0.00001; ExAC 0.00002; TOPMed 0.00002.
gnomAD v4.1: 25 of 1,614,034 alleles (0.0015%); highest among the groups gnomAD compares: Non-Finnish European, 0.0019%; no homozygotes.

Submission:

Labcorp Genetics (formerly Invitae), Labcorp
Classification: Uncertain significance. Last evaluated: 2025-05-13. Review status: criteria provided, single submitter. Criteria: Invitae Variant Classification Sherloc (09022015). Collection method: clinical testing. Allele origin: germline.
Comment: This sequence change replaces tryptophan, which is neutral and slightly polar, with leucine, which is neutral and non-polar, at codon 625 of the SEMA4A protein (p.Trp625Leu). This variant is present in population databases (rs773329946, gnomAD 0.004%). This variant has not been reported in the literature in individuals affected with SEMA4A-related conditions. ClinVar contains an entry for this variant (Variation ID: 840494). Invitae Evidence Modeling of protein sequence and biophysical properties (such as structural, functional, and spatial information, amino acid conservation, physicochemical variation, residue mobility, and thermodynamic stability) indicates that this missense variant is not expected to disrupt SEMA4A protein function with a negative predictive value of 80%. In summary, the available evidence is currently insufficient to determine the role of this variant in disease. Therefore, it has been classified as a Variant of Uncertain Significance.